The following is an entry in ClinVar:

ClinVar aggregate classification (germline): Likely benign. Review status: criteria provided, multiple submitters, no conflicts (2 of 4 stars). 3 submissions from 3 submitters: Likely benign (3). Last evaluated 2025-04-09.

Conditions:
Cardiovascular phenotype. Identifiers: MedGen CN230736.
Cardiomyopathy (CMYO). Also called: Cardiomyopathies. Identifiers: Orphanet 167848, MedGen C0878544, MONDO:0004994, HP:0001638. Inheritance: Various modes of inheritance.

Allele frequency attached by ClinVar (database versions not stated): gnomAD exomes below 0.00001; TOPMed 0.00001.
gnomAD v4.1: 9 of 1,614,078 alleles (0.00056%); highest among the groups gnomAD compares: African/African-American, 0.008%; no homozygotes.

Submissions (3):

Molecular Diagnostic Laboratory for Inherited Cardiovascular Disease, Montreal Heart Institute
Classification: Likely benign. Last evaluated: 2025-04-09. Review status: criteria provided, single submitter. Criteria: ACMG Guidelines, 2015. Collection method: clinical testing. Allele origin: germline. Affected: no.

Ambry Genetics
Classification: Likely benign for Cardiovascular phenotype. Last evaluated: 2024-08-28. Review status: criteria provided, single submitter. Criteria: Ambry Variant Classification Scheme 2023. Collection method: clinical testing. Allele origin: germline.

All of Us Research Program, National Institutes of Health
Classification: Likely benign for Cardiomyopathy. Last evaluated: 2023-12-18. Review status: criteria provided, single submitter. Criteria: ACMG Guidelines, 2015. Collection method: clinical testing. Allele origin: germline. Inheritance: Autosomal dominant inheritance. Observed: 3 variant alleles, 3 heterozygotes.
Comment: This study involves interpretation of variants in research participants for the purpose of population health screening. Participant phenotype was not available at the time of variant classification. Additional details can be found in publication PMID: 35346344, PMCID: PMC8962531

NM_000257.4(MYH7):c.4494C>T (p.Phe1498=)

Genes: MHRT (myosin heavy chain associated RNA transcript; plus strand), MYH7 (myosin heavy chain 7; minus strand). Cytogenetic location: 14q11.2.
Variant type: single nucleotide variant.
Coding change: c.4494C>T on transcript NM_000257.4 (MANE Select); coding-DNA position 4494, C replaced by T.
Protein change: p.Phe1498=; no amino-acid change (phenylalanine 1498 retained).
Molecular consequence: synonymous variant.
Genome position (GRCh38, 1-based): chr14:23,417,178, G>A on the plus strand (C>T on the coding strand, the complement: MYH7 is on the minus strand). VCF-style: chr14-23417178-G-A. GRCh37 (hg19) VCF-style: chr14-23886387-G-A.
Other names: c.4494C>T, p.Phe1498= (NM_001407004.1); c.4494C>T (NM_000257.3).
Identifiers: ClinVar variation 3069391 (VCV003069391.3), dbSNP rs1342241347, ClinGen allele CA485617183.